The following is an entry in ClinVar:

ClinVar aggregate classification (germline): Uncertain significance (1 of 4 stars; one submission).

Conditions:
Hereditary cancer-predisposing syndrome. Also called: Neoplastic Syndromes, Hereditary; Tumor predisposition; Hereditary Cancer Syndrome; Hereditary neoplastic syndrome. Identifiers: Orphanet 140162, MedGen C0027672, MeSH D009386, MONDO:0015356.

Submission:

Color Diagnostics, LLC DBA Color Health
Classification: Uncertain significance for Hereditary cancer-predisposing syndrome. Last evaluated: 2024-07-26. Review status: criteria provided, single submitter. Criteria: ACMG Guidelines, 2015. Collection method: clinical testing. Allele origin: germline.
Comment: This missense variant replaces lysine with glutamic acid at codon 413 of the PMS2 protein. Computational prediction suggests that this variant may not impact protein structure and function (internally defined REVEL score threshold <= 0.5, PMID: 27666373). To our knowledge, functional studies have not been reported for this variant. This variant has not been reported in individuals affected with PMS2-related disorders in the literature. This variant has not been identified in the general population by the Genome Aggregation Database (gnomAD). The available evidence is insufficient to determine the role of this variant in disease conclusively. Therefore, this variant is classified as a Variant of Uncertain Significance.

NM_000535.7(PMS2):c.1237A>G (p.Lys413Glu)

Gene: PMS2 (PMS1 homolog 2, mismatch repair system component; minus strand). Cytogenetic location: 7p22.1.
Variant type: single nucleotide variant.
Coding change: c.1237A>G on transcript NM_000535.7 (MANE Select); coding-DNA position 1237, A replaced by G.
Protein change: p.Lys413Glu; replaces lysine 413 with glutamic acid.
Molecular consequence: missense variant. On other transcripts: non-coding transcript variant (1), intron variant (1).
Genome position (GRCh38, 1-based): chr7:5,987,528, T>C on the plus strand (A>G on the coding strand, the complement: PMS2 is on the minus strand). VCF-style: chr7-5987528-T-C. GRCh37 (hg19) VCF-style: chr7-6027159-T-C.
Other names: c.832A>G, p.Lys278Glu (NM_001406896.1, NM_001406897.1, NM_001406898.1 and 16 more transcripts); c.763A>G, p.Lys255Glu (NM_001406901.1, NM_001406902.1); c.919A>G, p.Lys307Glu (NM_001406903.1, NM_001322007.2, NM_001322008.2 and 2 more transcripts); c.724A>G, p.Lys242Glu (NM_001406904.1, NM_001406905.1); c.772A>G, p.Lys258Glu (NM_001406900.1); c.1081A>G, p.Lys361Glu (NM_001322006.2, NM_001406870.1); c.676A>G, p.Lys226Glu (NM_001322010.2, NM_001406906.1, NM_001406907.1); c.304A>G, p.Lys102Glu (NM_001322011.2, NM_001322012.2); and 13 more; short protein forms K102E, K156E, K222E, K226E, K242E, K255E, K258E, K278E.
Identifiers: ClinVar variation 3894009 (VCV003894009.1).